The following is an entry in ClinVar:

NM_001003800.2(BICD2):c.1262A>T (p.Asp421Val)

Gene: BICD2 (BICD cargo adaptor 2; minus strand). Cytogenetic location: 9q22.31.
Variant type: single nucleotide variant.
Coding change: c.1262A>T on transcript NM_001003800.2 (MANE Select); coding-DNA position 1262, A replaced by T.
Protein change: p.Asp421Val; replaces aspartic acid 421 with valine.
Molecular consequence: missense variant.
Genome position (GRCh38, 1-based): chr9:92,719,383, T>A on the plus strand (A>T on the coding strand, the complement: BICD2 is on the minus strand). VCF-style: chr9-92719383-T-A. GRCh37 (hg19) VCF-style: chr9-95481665-T-A.
Other names: c.1262A>T, p.Asp421Val (NM_015250.4); short protein forms D421V.
Identifiers: ClinVar variation 3000541 (VCV003000541.3), dbSNP rs1278545974, ClinGen allele CA374039265.

ClinVar aggregate classification (germline): Uncertain significance (1 of 4 stars; one submission).

Conditions:
Autosomal dominant childhood-onset proximal spinal muscular atrophy with contractures (SMALED2A). Also called: Spinal muscular atrophy, lower extremity-predominant, 2A, autosomal dominant; SPINAL MUSCULAR ATROPHY, LOWER EXTREMITY-PREDOMINANT, 2A, CHILDHOOD ONSET, AUTOSOMAL DOMINANT. Identifiers: Orphanet 363447, Orphanet 363454, MedGen C4747715, MONDO:0014121, OMIM 615290.

Allele frequency attached by ClinVar (database versions not stated): gnomAD exomes below 0.00001.
gnomAD v4.1: 1 of 1,614,172 alleles (0.000062%); highest among the groups gnomAD compares: South Asian, 0.0011%; no homozygotes.

Submission:

Labcorp Genetics (formerly Invitae), Labcorp
Classification: Uncertain significance for Autosomal dominant childhood-onset proximal spinal muscular atrophy with contractures. Last evaluated: 2023-03-01. Review status: criteria provided, single submitter. Criteria: Invitae Variant Classification Sherloc (09022015). Collection method: clinical testing. Allele origin: germline.
Comment: In summary, the available evidence is currently insufficient to determine the role of this variant in disease. Therefore, it has been classified as a Variant of Uncertain Significance. This sequence change replaces aspartic acid, which is acidic and polar, with valine, which is neutral and non-polar, at codon 421 of the BICD2 protein (p.Asp421Val). This variant is not present in population databases (gnomAD no frequency). This variant has not been reported in the literature in individuals affected with BICD2-related conditions. Advanced modeling of protein sequence and biophysical properties (such as structural, functional, and spatial information, amino acid conservation, physicochemical variation, residue mobility, and thermodynamic stability) performed at Invitae indicates that this missense variant is not expected to disrupt BICD2 protein function.